The following is an entry in ClinVar:

NC_000009.11:g.(?_386311)_(422155_?)del

Gene: DOCK8 (dedicator of cytokinesis 8; plus strand). Cytogenetic location: 9p24.3.
Variant type: Deletion.
Identifiers: ClinVar variation 1460365 (VCV001460365.8).

ClinVar aggregate classification (germline): Pathogenic (1 of 4 stars; one submission).

Conditions:
Hyper-IgE recurrent infection syndrome 3, autosomal recessive. Also called: Autosomal recessive hyper-IgE syndrome due to ZNF341 deficiency; HYPER-IgE SYNDROME 3, AUTOSOMAL RECESSIVE, WITH RECURRENT INFECTIONS. Identifiers: Orphanet 641368, MedGen C4748969, MONDO:0032654, OMIM 618282.

Submission:

Labcorp Genetics (formerly Invitae), Labcorp
Classification: Pathogenic for Combined immunodeficiency due to DOCK8 deficiency. Last evaluated: 2021-10-13. Review status: criteria provided, single submitter. Criteria: Invitae Variant Classification Sherloc (09022015). Collection method: clinical testing. Allele origin: germline.
Comment: For these reasons, this variant has been classified as Pathogenic. This variant has not been reported in the literature in individuals affected with DOCK8-related conditions. This variant is a gross deletion of the genomic region encompassing exon(s) 23-33 of the DOCK8 gene. This deletion is out-of-frame, and is expected to create a premature termination codon and result in an absent or disrupted protein product. Loss-of-function variants in DOCK8 are known to be pathogenic (PMID: 14722525, 19776401).

Literature cited by the submitters: PubMed 14722525; PubMed 19776401.